The following is an entry in ClinVar:

ClinVar aggregate classification (germline): Uncertain significance (1 of 4 stars; one submission).

Conditions:
Neurodegeneration with brain iron accumulation 5 (NBIA5). Also called: STATIC ENCEPHALOPATHY OF CHILDHOOD WITH NEURODEGENERATION IN ADULTHOOD; Beta-propeller protein-associated neurodegeneration. Identifiers: Orphanet 329284, MedGen C3550973, MONDO:0010476, OMIM 300894.

Submission:

Labcorp Genetics (formerly Invitae), Labcorp
Classification: Uncertain significance for Neurodegeneration with brain iron accumulation 5. Last evaluated: 2025-06-18. Review status: criteria provided, single submitter. Criteria: Invitae Variant Classification Sherloc (09022015). Collection method: clinical testing. Allele origin: germline.
Comment: This sequence change replaces glycine, which is neutral and non-polar, with arginine, which is basic and polar, at codon 314 of the WDR45 protein (p.Gly314Arg). This variant is not present in population databases (gnomAD no frequency). This variant has not been reported in the literature in individuals affected with WDR45-related conditions. Invitae Evidence Modeling of protein sequence and biophysical properties (such as structural, functional, and spatial information, amino acid conservation, physicochemical variation, residue mobility, and thermodynamic stability) indicates that this missense variant is expected to disrupt WDR45 protein function with a positive predictive value of 80%. In summary, the available evidence is currently insufficient to determine the role of this variant in disease. Therefore, it has been classified as a Variant of Uncertain Significance.

NM_001029896.2(WDR45):c.937G>C (p.Gly313Arg)

Gene: WDR45 (WD repeat domain 45; minus strand). Cytogenetic location: Xp11.23.
Variant type: single nucleotide variant.
Coding change: c.937G>C on transcript NM_001029896.2 (MANE Select); coding-DNA position 937, G replaced by C.
Protein change: p.Gly313Arg; replaces glycine 313 with arginine.
Molecular consequence: missense variant.
Genome position (GRCh38, 1-based): chrX:49,075,172, C>G on the plus strand (G>C on the coding strand, the complement: WDR45 is on the minus strand). VCF-style: chrX-49075172-C-G. GRCh37 (hg19) VCF-style: chrX-48932831-C-G.
Other names: c.940G>C, p.Gly314Arg (NM_007075.4); short protein forms G313R, G314R.
Identifiers: ClinVar variation 4744280 (VCV004744280.1).